The following is an entry in ClinVar:

NM_013266.4(CTNNA3):c.157A>G (p.Lys53Glu)

Gene: CTNNA3 (catenin alpha 3; minus strand). Cytogenetic location: 10q21.3.
Variant type: single nucleotide variant.
Coding change: c.157A>G on transcript NM_013266.4 (MANE Select); coding-DNA position 157, A replaced by G.
Protein change: p.Lys53Glu; replaces lysine 53 with glutamic acid.
Molecular consequence: missense variant.
Genome position (GRCh38, 1-based): chr10:67,606,992, T>C on the plus strand (A>G on the coding strand, the complement: CTNNA3 is on the minus strand). VCF-style: chr10-67606992-T-C. GRCh37 (hg19) VCF-style: chr10-69366750-T-C.
Other names: c.157A>G, p.Lys53Glu (NM_001127384.3); c.193A>G, p.Lys65Glu (NM_001291133.2); short protein forms K65E, K53E.
Identifiers: ClinVar variation 2626580 (VCV002626580.2), dbSNP rs2492219079, ClinGen allele CA377098352.

ClinVar aggregate classification (germline): Uncertain significance (1 of 4 stars; one submission).

Submission:

Ambry Genetics
Classification: Uncertain significance. Last evaluated: 2023-09-06. Review status: criteria provided, single submitter. Criteria: Ambry Variant Classification Scheme 2023. Collection method: clinical testing. Allele origin: germline.
Comment: The p.K53E variant (also known as c.157A>G), located in coding exon 2 of the CTNNA3 gene, results from an A to G substitution at nucleotide position 157. The lysine at codon 53 is replaced by glutamic acid, an amino acid with similar properties. This amino acid position is conserved. In addition, the in silico prediction for this alteration is inconclusive. Since supporting evidence is limited at this time, the clinical significance of this alteration remains unclear.